The following is an entry in ClinVar:

ClinVar aggregate classification (germline): Likely benign (1 of 4 stars; one submission).

Conditions:
TSC1-related disorder. Also called: TSC1-related condition.

Submission:

PreventionGenetics, part of Exact Sciences
Classification: Likely benign for TSC1-related condition. Last evaluated: 2025-11-03. Review status: criteria provided, single submitter. Criteria: ACMG Guidelines, 2015. Collection method: clinical testing. Allele origin: germline.
Comment: This variant is classified as likely benign based on ACMG/AMP sequence variant interpretation guidelines (Richards et al. 2015 PMID: 25741868, with internal and published modifications).

NM_000368.4(TSC1):c.-229delG

Gene: TSC1 (TSC complex subunit 1; minus strand). Cytogenetic location: 9q34.13.
Variant type: Deletion.
Coding change: c.-229delG on transcript NM_000368.4; 229 bases upstream of the start codon, one base deleted (G).
Genome position (GRCh38, 1-based): chr9:132,944,624, C deleted on the plus strand (G on the coding strand, the reverse complement: TSC1 is on the minus strand); the first of 5 consecutive C bases (chr9:132,944,624-132,944,628); deleting any one gives the same sequence. VCF-style (leftmost placement, unchanged base first): chr9-132944623-TC-T. GRCh37 (hg19) VCF-style: chr9-135820010-TC-T.
Other names: c.-225delG (NM_000368.4); c.-229delG (NM_000368.3).
Identifiers: ClinVar variation 4986050 (VCV004986050.1).
Genomic context (GRCh38, chr9:132,944,623, plus strand): 5'-GCTGTTTACCTCACAGTCCCTCCAGCCTACAGGGCGCCGCCATCTTGGACGTACAGCACC[TC>T]CCCCGTCGTGAAAGGGCCAAGGCCGACGGCGGCCTCCGCCACGAAAAAGAGTCCCCCTCC-3'